The following is an entry in ClinVar:

ClinVar aggregate classification (germline): Uncertain significance (1 of 4 stars; one submission).

gnomAD v4.1: 2 of 1,209,302 alleles (0.00017%); highest among the groups gnomAD compares: East Asian, 0.003%; no homozygotes.

Submission:

GeneDx
Classification: Uncertain significance. Last evaluated: 2024-04-23. Review status: criteria provided, single submitter. Criteria: GeneDx Variant Classification Process June 2021. Collection method: clinical testing. Allele origin: germline. Affected: yes.
Comment: Not observed at significant frequency in large population cohorts (gnomAD); In silico analysis supports that this missense variant has a deleterious effect on protein structure/function; In silico analysis suggests this variant may impact gene splicing. In the absence of RNA/functional studies, the actual effect of this sequence change is unknown.; Has not been previously published as pathogenic or benign to our knowledge

NM_004606.5(TAF1):c.770G>A (p.Arg257Gln)

Gene: TAF1 (TATA-box binding protein associated factor 1; plus strand). Cytogenetic location: Xq13.1.
Variant type: single nucleotide variant.
Coding change: c.770G>A on transcript NM_004606.5 (MANE Select); coding-DNA position 770, G replaced by A.
Protein change: p.Arg257Gln; replaces arginine 257 with glutamine.
Molecular consequence: missense variant. On other transcripts: non-coding transcript variant (9).
Genome position (GRCh38, 1-based): chrX:71,377,658, G>A. VCF-style: chrX-71377658-G-A. GRCh37 (hg19) VCF-style: chrX-70597508-G-A.
Other names: c.770G>A, p.Arg257Gln (NM_001286074.2); c.707G>A, p.Arg236Gln (NM_138923.4); short protein forms R236Q, R257Q.
Identifiers: ClinVar variation 3373020 (VCV003373020.1).